The following is an entry in ClinVar:

NM_013382.7(POMT2):c.1006C>A (p.His336Asn)

Gene: POMT2 (protein O-mannosyltransferase 2; minus strand). Cytogenetic location: 14q24.3.
Variant type: single nucleotide variant.
Coding change: c.1006C>A on transcript NM_013382.7 (MANE Select); coding-DNA position 1006, C replaced by A.
Protein change: p.His336Asn; replaces histidine 336 with asparagine.
Molecular consequence: missense variant.
Genome position (GRCh38, 1-based): chr14:77,298,689, G>T on the plus strand (C>A on the coding strand, the complement: POMT2 is on the minus strand). VCF-style: chr14-77298689-G-T. GRCh37 (hg19) VCF-style: chr14-77765032-G-T.
Other names: short protein forms H336N.
Identifiers: ClinVar variation 940674 (VCV000940674.10), dbSNP rs765103940, ClinGen allele CA390519660.

ClinVar aggregate classification (germline): Uncertain significance (1 of 4 stars; one submission).

Conditions:
Muscular dystrophy-dystroglycanopathy (congenital with brain and eye anomalies), type A2. Also called: MUSCULAR DYSTROPHY-DYSTROGLYCANOPATHY (CONGENITAL WITH BRAIN AND EYE ANOMALIES), TYPE A, 2; WALKER-WARBURG SYNDROME OR MUSCLE-EYE-BRAIN DISEASE, POMT2-RELATED. Identifiers: Orphanet 588, Orphanet 899, MedGen C3150411, MONDO:0013154, OMIM 613150.
Muscular dystrophy-dystroglycanopathy (congenital with impaired intellectual development), type B, 2. Also called: Muscular dystrophy-dystroglycanopathy (congenital with intellectual disability), type B2; MUSCULAR DYSTROPHY, CONGENITAL, POMT2-RELATED. Identifiers: MedGen C3150416, MONDO:0013160, OMIM 613156.
Autosomal recessive limb-girdle muscular dystrophy type 2N. Also called: Muscular dystrophy-dystroglycanopathy (limb-girdle), type C, 2; MUSCULAR DYSTROPHY-DYSTROGLYCANOPATHY, LIMB-GIRDLE, POMT2-RELATED. Identifiers: Orphanet 206559, MedGen C3150418, MONDO:0013162, OMIM 613158.

Submission:

Labcorp Genetics (formerly Invitae), Labcorp
Classification: Uncertain significance for Muscular dystrophy-dystroglycanopathy (congenital with impaired intellectual development), type B, 2; Muscular dystrophy-dystroglycanopathy (congenital with brain and eye anomalies), type A2; Autosomal recessive limb-girdle muscular dystrophy type 2N. Last evaluated: 2022-08-31. Review status: criteria provided, single submitter. Criteria: Invitae Variant Classification Sherloc (09022015). Collection method: clinical testing. Allele origin: germline.
Comment: In summary, the available evidence is currently insufficient to determine the role of this variant in disease. Therefore, it has been classified as a Variant of Uncertain Significance. Algorithms developed to predict the effect of sequence changes on RNA splicing suggest that this variant may create or strengthen a splice site. Algorithms developed to predict the effect of missense changes on protein structure and function (SIFT, PolyPhen-2, Align-GVGD) all suggest that this variant is likely to be tolerated. ClinVar contains an entry for this variant (Variation ID: 940674). This variant has not been reported in the literature in individuals affected with POMT2-related conditions. This variant is not present in population databases (gnomAD no frequency). This sequence change replaces histidine, which is basic and polar, with asparagine, which is neutral and polar, at codon 336 of the POMT2 protein (p.His336Asn).